The following is an entry in ClinVar:

NM_001372.4(DNAH9):c.9616C>T (p.Arg3206Trp)

Gene: DNAH9 (dynein axonemal heavy chain 9; plus strand). Cytogenetic location: 17p12.
Variant type: single nucleotide variant.
Coding change: c.9616C>T on transcript NM_001372.4 (MANE Select); coding-DNA position 9616, C replaced by T.
Protein change: p.Arg3206Trp; replaces arginine 3206 with tryptophan.
Molecular consequence: missense variant.
Genome position (GRCh38, 1-based): chr17:11,854,111, C>T. VCF-style: chr17-11854111-C-T. GRCh37 (hg19) VCF-style: chr17-11757428-C-T.
Other names: short protein forms R3206W.
Identifiers: ClinVar variation 2049442 (VCV002049442.3), dbSNP rs367619575, ClinGen allele CA8397269.

ClinVar aggregate classification (germline): Uncertain significance. Review status: criteria provided, multiple submitters, no conflicts (2 of 4 stars). 2 submissions from 2 submitters: Uncertain significance (2). Last evaluated 2026-01-13.

Conditions:
Inborn genetic diseases. Identifiers: MedGen C0950123, MeSH D030342.

Allele frequency attached by ClinVar (database versions not stated): ExAC 0.00005; gnomAD exomes 0.00007; gnomAD 0.00013; ESP Exome Variant Server 0.00015; TOPMed 0.00021.
gnomAD v4.1: 117 of 1,613,958 alleles (0.0072%); highest among the groups gnomAD compares: East Asian, 0.071%; no homozygotes.

Submissions (2):

Labcorp Genetics (formerly Invitae), Labcorp
Classification: Uncertain significance. Last evaluated: 2026-01-13. Review status: criteria provided, single submitter. Criteria: Invitae Variant Classification Sherloc (09022015). Collection method: clinical testing. Allele origin: germline.
Comment: This sequence change replaces arginine, which is basic and polar, with tryptophan, which is neutral and slightly polar, at codon 3206 of the DNAH9 protein (p.Arg3206Trp). This variant is present in population databases (rs367619575, gnomAD 0.05%). This variant has not been reported in the literature in individuals affected with DNAH9-related conditions. ClinVar contains an entry for this variant (Variation ID: 2049442). Invitae Evidence Modeling of protein sequence and biophysical properties (such as structural, functional, and spatial information, amino acid conservation, physicochemical variation, residue mobility, and thermodynamic stability) indicates that this missense variant is expected to disrupt DNAH9 protein function with a positive predictive value of 80%. In summary, the available evidence is currently insufficient to determine the role of this variant in disease. Therefore, it has been classified as a Variant of Uncertain Significance.

Ambry Genetics
Classification: Uncertain significance for Inborn genetic diseases. Last evaluated: 2021-09-16. Review status: criteria provided, single submitter. Criteria: Ambry Variant Classification Scheme 2023. Collection method: clinical testing. Allele origin: germline.